The following is an entry in ClinVar:

ClinVar aggregate classification (germline): Pathogenic. Review status: criteria provided, multiple submitters, no conflicts (2 of 4 stars). 8 submissions from 8 submitters: Pathogenic (7). 1 of the submissions does not count toward it. Last evaluated 2025-10-05.

Conditions:
COL18A1-related disorder. Also called: COL18A1-related condition; COL18A1-related disorders.
Knobloch syndrome (KNO). Also called: RETINAL DETACHMENT AND OCCIPITAL ENCEPHALOCELE; Myopia retinal detachment encephalocele. Identifiers: Orphanet 1571, MedGen C1849409, MONDO:0800166.

Submissions (8):

Labcorp Genetics (formerly Invitae), Labcorp
Classification: Pathogenic. Last evaluated: 2025-10-05. Review status: criteria provided, single submitter. Criteria: Invitae Variant Classification Sherloc (09022015). Collection method: clinical testing. Allele origin: germline.
Comment: This sequence change creates a premature translational stop signal (p.Gly707Argfs*23) in the COL18A1 gene. It is expected to result in an absent or disrupted protein product. Loss-of-function variants in COL18A1 are known to be pathogenic (PMID: 12415512, 25456301). The frequency data for this variant in the population databases is considered unreliable, as metrics indicate poor data quality at this position in the gnomAD database. This premature translational stop signal has been observed in individual(s) with Knobloch syndrome (PMID: 23667181). ClinVar contains an entry for this variant (Variation ID: 65411). For these reasons, this variant has been classified as Pathogenic.

PreventionGenetics, part of Exact Sciences
Classification: Pathogenic for COL18A1-related condition. Last evaluated: 2025-05-19. Review status: criteria provided, single submitter. Criteria: ACMG Guidelines, 2015. Collection method: clinical testing. Allele origin: germline.
Comment: The COL18A1 c.2658dupC variant is predicted to result in a frameshift and premature protein termination (p.Gly887Argfs*23). This variant has been reported, in the homozygous state or with a second likely causative variant in the same gene, in individuals with Knobloch syndrome (see, for example: reported as c.2118dup in Aldahmesh et al. 2013. PubMed ID: 23667181; Khan et al. 2019. PubMed ID: 31725702). This variant is reported in 0.0093% of alleles in individuals of European (Finnish) descent in gnomAD. Frameshift variants in COL18A1 are expected to be pathogenic. This variant is interpreted as pathogenic.

Dubai Health Genomic Medicine Center, Dubai Health
Classification: Pathogenic for Knobloch syndrome. Last evaluated: 2024-10-04. Review status: criteria provided, single submitter. Criteria: ACMG Guidelines, 2015. Collection method: research. Allele origin: germline. Affected: yes.
Comment: PVS1(strong),PM2

GeneDx
Classification: Pathogenic. Last evaluated: 2024-05-03. Review status: criteria provided, single submitter. Criteria: GeneDx Variant Classification Process June 2021. Collection method: clinical testing. Allele origin: germline. Affected: yes.
Comment: Frameshift variant predicted to result in protein truncation or nonsense mediated decay in a gene for which loss-of-function is a known mechanism of disease; This variant is associated with the following publications: (PMID: 23667181, 31725702)

Blueprint Genetics
Classification: Pathogenic for COL18A1-related disorders. Last evaluated: 2017-11-20. Review status: criteria provided, single submitter. Criteria: ACMG Guidelines, 2015. Collection method: clinical testing. Allele origin: germline. Affected: yes. Observed: 1 variant allele.

Genetic Services Laboratory, University of Chicago
Classification: Pathogenic for Knobloch syndrome, type 1. Last evaluated: 2015-04-05. Review status: criteria provided, single submitter. Criteria: ACMG Guidelines, 2015. Collection method: clinical testing. Allele origin: germline. Affected: yes.

Rady Children's Institute for Genomic Medicine, Rady Children's Hospital San Diego
Classification: Pathogenic for COL18A1-related disorders. Review status: criteria provided, single submitter. Criteria: ACMG Guidelines, 2015. Collection method: clinical testing. Allele origin: germline. Affected: yes.
Comment: This frameshifting variant in exon 21 of 41 introduces a premature stop codon and is therefore predicted to result in loss of normal protein function through either protein truncation or nonsense-mediated mRNA decay (NMD). This variant has been previously reported, named as c.2118dup (p.Gly707fs) on transcript NM_001379500.1, as a compound heterozygous change with a frameshift variant in patients with Knobloch Syndrome (PMID: 23667181). The c.2658dup (p.Gly887ArgfsTer23) variant is present in the heterozygous state in the gnomAD population database at a frequency of 0.003% (7/244716) and is absent in the homozygous state, thus is presumed to be rare. Loss-of-function variation in COL18A1 is an established mechanism of disease (PMID: 27746220). Based on the available evidence, the c.2658dup (p.Gly887ArgfsTer23) variant is classified as Pathogenic.

OMIM
Classification: Pathogenic for KNOBLOCH SYNDROME 1. Last evaluated: 2013-08-01. Review status: no assertion criteria provided. Collection method: literature only. Allele origin: germline. Not counted in ClinVar's aggregate classification.

Literature cited by the submitters: PubMed 12415512 (cited by Labcorp Genetics (formerly Invitae), Labcorp); PubMed 25456301 (cited by Labcorp Genetics (formerly Invitae), Labcorp); PubMed 23667181 (cited by Labcorp Genetics (formerly Invitae), Labcorp and OMIM).

NM_001379500.1(COL18A1):c.2118dup (p.Gly707fs)

Gene: COL18A1 (collagen type XVIII alpha 1 chain; plus strand). Cytogenetic location: 21q22.3.
Variant type: Duplication.
Coding change: c.2118dup on transcript NM_001379500.1 (MANE Select); coding-DNA position 2118, one base duplicated (C; older notation c.2118dupC).
Protein change: p.Gly707fs; shifts the reading frame from glycine 707.
Molecular consequence: frameshift variant.
Genome position (GRCh38, 1-based): chr21:45,491,275, C duplicated; the last of 7 consecutive C bases (chr21:45,491,269-45,491,275); duplicating any one gives the same sequence. VCF-style (leftmost placement, unchanged base first): chr21-45491268-G-GC. GRCh37 (hg19) VCF-style: chr21-46911182-G-GC.
Other names: NM_130445.2:c.2118dup; NM_130445.2:c.2118dupC; c.2658dup, p.Gly887fs (NM_030582.4); c.3363dup, p.Gly1122fs (NM_130444.3); c.2658dupC (NM_030582.3); short protein forms G1122fs, G887fs, G707fs.
Identifiers: ClinVar variation 65411 (VCV000065411.19), dbSNP rs775168204, ClinGen allele CA144776.